The following is an entry in ClinVar:

NM_001377.3(DYNC2H1):c.1197A>G (p.Ile399Met)

Gene: DYNC2H1 (dynein cytoplasmic 2 heavy chain 1; plus strand). Cytogenetic location: 11q22.3.
Variant type: single nucleotide variant.
Coding change: c.1197A>G on transcript NM_001377.3 (MANE Select); coding-DNA position 1197, A replaced by G.
Protein change: p.Ile399Met; replaces isoleucine 399 with methionine.
Molecular consequence: missense variant.
Genome position (GRCh38, 1-based): chr11:103,120,751, A>G. VCF-style: chr11-103120751-A-G. GRCh37 (hg19) VCF-style: chr11-102991480-A-G.
Other names: c.1197A>G, p.Ile399Met (NM_001080463.2); short protein forms I399M.
Identifiers: ClinVar variation 2049698 (VCV002049698.3), dbSNP rs1450959406, ClinGen allele CA382250957.
Genomic context (GRCh38, chr11:103,120,751, plus strand): 5'-CTTGTGGAAAGCTGCGGTGTCTCAATATGAAAAGATTATTGCACCTGCGGAACAAAAAAT[A>G]GCAGGAAAATTGAAAAATTATATTTCAGAAATTCAAGACAGTCCACAGCAGGTAAAACAT-3'
Protein context (NP_001368.2, residues 389-409): EKIIAPAEQK[Ile399Met]AGKLKNYISE

ClinVar aggregate classification (germline): Uncertain significance (1 of 4 stars; one submission).

Conditions:
Jeune thoracic dystrophy. Also called: Jeune syndrome; Infantile thoracic dystrophy; Thoracic pelvic phalangeal dystrophy; Jeune's syndrome; Chondroectodermal dysplasia-like syndrome; Short-rib thoracic dysplasia. Identifiers: Orphanet 474, MedGen C0265275, MONDO:0018770.

Allele frequency attached by ClinVar (database versions not stated): gnomAD exomes 0.00001; TOPMed 0.00001.
gnomAD v4.1: 5 of 1,599,106 alleles (0.00031%); highest among the groups gnomAD compares: Admixed American, 0.0087%; no homozygotes.

Submission:

Labcorp Genetics (formerly Invitae), Labcorp
Classification: Uncertain significance for Jeune thoracic dystrophy. Last evaluated: 2024-11-05. Review status: criteria provided, single submitter. Criteria: Invitae Variant Classification Sherloc (09022015). Collection method: clinical testing. Allele origin: germline.
Comment: This sequence change replaces isoleucine, which is neutral and non-polar, with methionine, which is neutral and non-polar, at codon 399 of the DYNC2H1 protein (p.Ile399Met). This variant is not present in population databases (gnomAD no frequency). This variant has not been reported in the literature in individuals affected with DYNC2H1-related conditions. ClinVar contains an entry for this variant (Variation ID: 2049698). Invitae Evidence Modeling of protein sequence and biophysical properties (such as structural, functional, and spatial information, amino acid conservation, physicochemical variation, residue mobility, and thermodynamic stability) indicates that this missense variant is not expected to disrupt DYNC2H1 protein function with a negative predictive value of 95%. In summary, the available evidence is currently insufficient to determine the role of this variant in disease. Therefore, it has been classified as a Variant of Uncertain Significance.